The following is an entry in ClinVar:

NM_001142864.4(PIEZO1):c.5341G>A (p.Gly1781Ser)

Gene: PIEZO1 (piezo type mechanosensitive ion channel component 1 (Er blood group); minus strand). Cytogenetic location: 16q24.3.
Variant type: single nucleotide variant.
Coding change: c.5341G>A on transcript NM_001142864.4 (MANE Select); coding-DNA position 5341, G replaced by A.
Protein change: p.Gly1781Ser; replaces glycine 1781 with serine.
Molecular consequence: missense variant.
Genome position (GRCh38, 1-based): chr16:88,721,600, C>T on the plus strand (G>A on the coding strand, the complement: PIEZO1 is on the minus strand). VCF-style: chr16-88721600-C-T. GRCh37 (hg19) VCF-style: chr16-88788008-C-T.
Other names: short protein forms G1781S.
Identifiers: ClinVar variation 1310756 (VCV001310756.8), dbSNP rs186774726, ClinGen allele CA8231906.

ClinVar aggregate classification (germline): Conflicting classifications of pathogenicity. Review status: criteria provided, conflicting classifications (1 of 4 stars). 4 submissions from 4 submitters: Uncertain significance (1); Benign (1); Likely benign (2). Last evaluated 2024-10-10.

Conditions:
Inborn genetic diseases. Identifiers: MedGen C0950123, MeSH D030342.

Allele frequency attached by ClinVar (database versions not stated): 1000 Genomes Project 30x 0.00016; 1000 Genomes Project 0.00020.

Submissions (4):

Labcorp Genetics (formerly Invitae), Labcorp
Classification: Benign. Last evaluated: 2024-10-10. Review status: criteria provided, single submitter. Criteria: Invitae Variant Classification Sherloc (09022015). Collection method: clinical testing. Allele origin: germline.

ARUP Laboratories, Molecular Genetics and Genomics, ARUP Laboratories
Classification: Likely benign. Last evaluated: 2024-10-04. Review status: criteria provided, single submitter. Criteria: ARUP Molecular Germline Variant Investigation Process 2024. Collection method: clinical testing. Allele origin: germline.

GeneDx
Classification: Uncertain significance. Last evaluated: 2024-07-24. Review status: criteria provided, single submitter. Criteria: GeneDx Variant Classification Process June 2021. Collection method: clinical testing. Allele origin: germline. Affected: yes.
Comment: In silico analysis indicates that this missense variant does not alter protein structure/function; Has not been previously published as pathogenic or benign to our knowledge

Ambry Genetics
Classification: Likely benign for Inborn genetic diseases. Last evaluated: 2022-11-03. Review status: criteria provided, single submitter. Criteria: Ambry Variant Classification Scheme 2023. Collection method: clinical testing. Allele origin: germline.